The following is an entry in ClinVar:

ClinVar aggregate classification (germline): Uncertain significance (1 of 4 stars; one submission).

gnomAD v4.1: 3 of 1,612,836 alleles (0.00019%); highest among the groups gnomAD compares: Non-Finnish European, 0.00025%; no homozygotes.

Submission:

Labcorp Genetics (formerly Invitae), Labcorp
Classification: Uncertain significance. Last evaluated: 2025-07-27. Review status: criteria provided, single submitter. Criteria: Invitae Variant Classification Sherloc (09022015). Collection method: clinical testing. Allele origin: germline.
Comment: This sequence change replaces cysteine, which is neutral and slightly polar, with glycine, which is neutral and non-polar, at codon 2226 of the ATR protein (p.Cys2226Gly). This variant is not present in population databases (gnomAD no frequency). This variant has not been reported in the literature in individuals affected with ATR-related conditions. An algorithm developed to predict the effect of missense changes on protein structure and function (PolyPhen-2) suggests that this variant is likely to be tolerated. In summary, the available evidence is currently insufficient to determine the role of this variant in disease. Therefore, it has been classified as a Variant of Uncertain Significance.

NM_001184.4(ATR):c.6676T>G (p.Cys2226Gly)

Gene: ATR (ATR checkpoint kinase; minus strand). Cytogenetic location: 3q23.
Variant type: single nucleotide variant.
Coding change: c.6676T>G on transcript NM_001184.4 (MANE Select); coding-DNA position 6676, T replaced by G.
Protein change: p.Cys2226Gly; replaces cysteine 2226 with glycine.
Molecular consequence: missense variant.
Genome position (GRCh38, 1-based): chr3:142,467,945, A>C on the plus strand (T>G on the coding strand, the complement: ATR is on the minus strand). VCF-style: chr3-142467945-A-C. GRCh37 (hg19) VCF-style: chr3-142186787-A-C.
Other names: c.6484T>G, p.Cys2162Gly (NM_001354579.2); short protein forms C2162G, C2226G.
Identifiers: ClinVar variation 4738903 (VCV004738903.1).